The following is an entry in ClinVar:

NM_005219.5(DIAPH1):c.3701C>T (p.Ala1234Val)

Gene: DIAPH1 (diaphanous related formin 1; minus strand). Cytogenetic location: 5q31.3.
Variant type: single nucleotide variant.
Coding change: c.3701C>T on transcript NM_005219.5 (MANE Select); coding-DNA position 3701, C replaced by T.
Protein change: p.Ala1234Val; replaces alanine 1234 with valine.
Molecular consequence: missense variant. On other transcripts: 3 prime UTR variant (1).
Genome position (GRCh38, 1-based): chr5:141,516,969, G>A on the plus strand (C>T on the coding strand, the complement: DIAPH1 is on the minus strand). VCF-style: chr5-141516969-G-A. GRCh37 (hg19) VCF-style: chr5-140896536-G-A.
Other names: c.3674C>T, p.Ala1225Val (NM_001079812.3); c.*1C>T (NM_001314007.2); short protein forms A1225V, A1234V.
Identifiers: ClinVar variation 475709 (VCV000475709.7), dbSNP rs764739820, ClinGen allele CA3478674.

ClinVar aggregate classification (germline): Uncertain significance (1 of 4 stars; one submission).

Conditions:
Progressive microcephaly-seizures-cortical blindness-developmental delay syndrome. Also called: Seizures, cortical blindness, and microcephaly syndrome. Identifiers: Orphanet 477814, MedGen C5567650, MONDO:0014714, OMIM 616632.
Autosomal dominant nonsyndromic hearing loss 1. Also called: KONIGSMARK SYNDROME; DEAFNESS, AUTOSOMAL DOMINANT 1, WITH OR WITHOUT THROMBOCYTOPENIA. Identifiers: Orphanet 90635, MedGen C1852282, MONDO:0007424, OMIM 124900.

Allele frequency attached by ClinVar (database versions not stated): ExAC 0.00001; TOPMed 0.00001; gnomAD exomes 0.00002 and 0.00004.

Submission:

Labcorp Genetics (formerly Invitae), Labcorp
Classification: Uncertain significance for Progressive microcephaly-seizures-cortical blindness-developmental delay syndrome; Autosomal dominant nonsyndromic hearing loss 1. Last evaluated: 2023-08-04. Review status: criteria provided, single submitter. Criteria: Invitae Variant Classification Sherloc (09022015). Collection method: clinical testing. Allele origin: germline.
Comment: In summary, the available evidence is currently insufficient to determine the role of this variant in disease. Therefore, it has been classified as a Variant of Uncertain Significance. Algorithms developed to predict the effect of missense changes on protein structure and function output the following: SIFT: "Not Available"; PolyPhen-2: "Benign"; Align-GVGD: "Not Available". The valine amino acid residue is found in multiple mammalian species, which suggests that this missense change does not adversely affect protein function. ClinVar contains an entry for this variant (Variation ID: 475709). This variant has not been reported in the literature in individuals affected with DIAPH1-related conditions. This variant is present in population databases (rs764739820, gnomAD 0.009%). This sequence change replaces alanine, which is neutral and non-polar, with valine, which is neutral and non-polar, at codon 1234 of the DIAPH1 protein (p.Ala1234Val).